The following is an entry in ClinVar:

ClinVar aggregate classification (germline): Uncertain significance (1 of 4 stars; one submission).

Conditions:
Harel-Yoon syndrome (HAYOS). Also called: Optic atrophy-peripheral neuropathy-developmental delay syndrome. Identifiers: Orphanet 496790, MedGen C4310677, MONDO:0014958, OMIM 617183.

Submission:

Baylor Genetics
Classification: Uncertain significance for Harel-Yoon syndrome. Last evaluated: 2020-02-04. Review status: criteria provided, single submitter. Criteria: ACMG Guidelines, 2015. Collection method: clinical testing. Allele origin: unknown. Affected: yes.
Comment: This variant was determined to be of uncertain significance according to ACMG Guidelines, 2015 [PMID:25741868].

NM_001170535.3(ATAD3A):c.700G>A (p.Gly234Arg)

Gene: ATAD3A (ATPase family AAA domain containing 3A; plus strand). Cytogenetic location: 1p36.33.
Variant type: single nucleotide variant.
Coding change: c.700G>A on transcript NM_001170535.3 (MANE Select); coding-DNA position 700, G replaced by A.
Protein change: p.Gly234Arg; replaces glycine 234 with arginine.
Molecular consequence: missense variant.
Genome position (GRCh38, 1-based): chr1:1,520,567, G>A. VCF-style: chr1-1520567-G-A. GRCh37 (hg19) VCF-style: chr1-1455947-G-A.
Other names: c.463G>A, p.Gly155Arg (NM_001170536.3); c.844G>A, p.Gly282Arg (NM_018188.5); short protein forms G155R, G282R, G234R.
Identifiers: ClinVar variation 1029209 (VCV001029209.1), dbSNP rs1641553966, ClinGen allele CA337854392.